The following is an entry in ClinVar:

NM_014679.5(CEP57):c.1010C>A (p.Ser337Tyr)

Gene: CEP57 (centrosomal protein 57; plus strand). Cytogenetic location: 11q21.
Variant type: single nucleotide variant.
Coding change: c.1010C>A on transcript NM_014679.5 (MANE Select); coding-DNA position 1010, C replaced by A.
Protein change: p.Ser337Tyr; replaces serine 337 with tyrosine.
Molecular consequence: missense variant.
Genome position (GRCh38, 1-based): chr11:95,827,910, C>A. VCF-style: chr11-95827910-C-A. GRCh37 (hg19) VCF-style: chr11-95561074-C-A.
Other names: c.824C>A, p.Ser275Tyr (NM_001440874.1); c.821C>A, p.Ser274Tyr (NM_001440875.1); c.815C>A, p.Ser272Tyr (NM_001440876.1); c.812C>A, p.Ser271Tyr (NM_001440877.1, NM_001440878.1); c.785C>A, p.Ser262Tyr (NM_001440879.1); c.749C>A, p.Ser250Tyr (NM_001440880.1); c.713C>A, p.Ser238Tyr (NM_001440881.1); c.707C>A, p.Ser236Tyr (NM_001440882.1); and 6 more; short protein forms S238Y, S271Y, S272Y, S311Y, S236Y, S275Y, S328Y, S250Y.
Identifiers: ClinVar variation 4226366 (VCV004226366.1).

ClinVar aggregate classification (germline): Uncertain significance (1 of 4 stars; one submission).

Conditions:
Inborn genetic diseases. Identifiers: MedGen C0950123, MeSH D030342.

gnomAD v4.1: 3 of 1,614,128 alleles (0.00019%); highest among the groups gnomAD compares: Admixed American, 0.0017%; no homozygotes.

Submission:

Ambry Genetics
Classification: Uncertain significance for Inborn genetic diseases. Last evaluated: 2025-08-01. Review status: criteria provided, single submitter. Criteria: Ambry Variant Classification Scheme 2023. Collection method: clinical testing. Allele origin: germline.
Comment: The p.S337Y variant (also known as c.1010C>A), located in coding exon 9 of the CEP57 gene, results from a C to A substitution at nucleotide position 1010. The serine at codon 337 is replaced by tyrosine, an amino acid with dissimilar properties. This amino acid position is conserved. In addition, this alteration is predicted to be tolerated by in silico analysis. Based on the available evidence, the clinical significance of this variant remains unclear.